The following is an entry in ClinVar:

NM_001166108.2(PALLD):c.2686C>G (p.Arg896Gly)

Genes: CBR4 (carbonyl reductase 4; minus strand), PALLD (palladin, cytoskeletal associated protein; plus strand). Cytogenetic location: 4q32.3.
Variant type: single nucleotide variant.
Coding change: c.2686C>G on transcript NM_001166108.2 (MANE Select); coding-DNA position 2686, C replaced by G.
Protein change: p.Arg896Gly; replaces arginine 896 with glycine.
Molecular consequence: missense variant.
Genome position (GRCh38, 1-based): chr4:168,913,990, C>G. VCF-style: chr4-168913990-C-G. GRCh37 (hg19) VCF-style: chr4-169835141-C-G.
Other names: c.1489C>G, p.Arg497Gly (NM_001166109.2); c.1174C>G, p.Arg392Gly (NM_001166110.2); c.514C>G, p.Arg172Gly (NM_001367567.1, NM_001367569.1); c.565C>G, p.Arg189Gly (NM_001367568.1, NM_001367570.1); c.2635C>G, p.Arg879Gly (NM_016081.4); short protein forms R879G, R896G, R172G, R189G, R497G, R392G.
Identifiers: ClinVar variation 3304041 (VCV003304041.1).

ClinVar aggregate classification (germline): Uncertain significance (1 of 4 stars; one submission).

gnomAD v4.1: 3 of 1,610,310 alleles (0.00019%); highest among the groups gnomAD compares: South Asian, 0.0011%; no homozygotes.

Submission:

Ambry Genetics
Classification: Uncertain significance. Last evaluated: 2024-03-17. Review status: criteria provided, single submitter. Criteria: Ambry Variant Classification Scheme 2023. Collection method: clinical testing. Allele origin: germline.
Comment: The p.R879G variant (also known as c.2635C>G), located in coding exon 14 of the PALLD gene, results from a C to G substitution at nucleotide position 2635. The arginine at codon 879 is replaced by glycine, an amino acid with dissimilar properties. This amino acid position is conserved. In addition, this alteration is predicted to be tolerated by in silico analysis. Based on the available evidence, the clinical significance of this alteration remains unclear.